The following is an entry in ClinVar:

ClinVar aggregate classification (germline): Uncertain significance (1 of 4 stars; one submission).

Conditions:
Hereditary cancer-predisposing syndrome. Also called: Hereditary Cancer Syndrome; Hereditary neoplastic syndrome; Neoplastic Syndromes, Hereditary; Tumor predisposition. Identifiers: Orphanet 140162, MedGen C0027672, MeSH D009386, MONDO:0015356.

Submission:

Ambry Genetics
Classification: Uncertain significance for Hereditary cancer-predisposing syndrome. Last evaluated: 2017-10-19. Review status: criteria provided, single submitter. Criteria: Ambry Variant Classification Scheme 2023. Collection method: clinical testing. Allele origin: germline.
Comment: The p.K1481M variant (also known as c.4442A>T), located in coding exon 33 of the TSC2 gene, results from an A to T substitution at nucleotide position 4442. The lysine at codon 1481 is replaced by methionine, an amino acid with similar properties. This amino acid position is not well conserved in available vertebrate species. In addition, the in silico prediction for this alteration is inconclusive. Since supporting evidence is limited at this time, the clinical significance of this alteration remains unclear.

NM_000548.5(TSC2):c.4442A>T (p.Lys1481Met)

Gene: TSC2 (TSC complex subunit 2; plus strand). Cytogenetic location: 16p13.3.
Variant type: single nucleotide variant.
Coding change: c.4442A>T on transcript NM_000548.5 (MANE Select); coding-DNA position 4442, A replaced by T.
Protein change: p.Lys1481Met; replaces lysine 1481 with methionine.
Molecular consequence: missense variant.
Genome position (GRCh38, 1-based): chr16:2,084,664, A>T. VCF-style: chr16-2084664-A-T. GRCh37 (hg19) VCF-style: chr16-2134665-A-T.
Other names: c.4241A>T, p.Lys1414Met (NM_001077183.3); c.4373A>T, p.Lys1458Met (NM_001114382.3); c.4133A>T, p.Lys1378Met (NM_001318827.2); c.4097A>T, p.Lys1366Met (NM_001318829.2); c.3710A>T, p.Lys1237Met (NM_001318831.2); c.4274A>T, p.Lys1425Met (NM_001318832.2); c.4244A>T, p.Lys1415Met (NM_001363528.2); c.4310A>T, p.Lys1437Met (NM_001370404.1); and 26 more; short protein forms K1366M, K1408M, K1410M, K1415M, K1444M, K1457M, K1458M, K1481M.
Identifiers: ClinVar variation 1740634 (VCV001740634.2), dbSNP rs2090538754, ClinGen allele CA394302337.